The following is an entry in ClinVar:

ClinVar aggregate classification (germline): Conflicting classifications of pathogenicity. Review status: criteria provided, conflicting classifications (1 of 4 stars). 7 submissions from 7 submitters: Pathogenic (2); Likely pathogenic (4); Uncertain significance (1). Last evaluated 2025-01-24.

Conditions:
Mucopolysaccharidosis, MPS-IV-A (MPS4A). Also called: Mucopolysaccharidosis Type IVA; MORQUIO SYNDROME A; MPS IVA; Mucopolysaccharidosis type IV A; mucopolysaccharidosis type 4A; Morquio syndrome A, mild. Identifiers: Orphanet 309297, Orphanet 582, MedGen C0086651, MONDO:0009659, OMIM 253000.
GALNS-related disorders.

Allele frequency attached by ClinVar (database versions not stated): ExAC 0.00001; gnomAD 0.00001; gnomAD exomes 0.00001; TOPMed 0.00001.
gnomAD v4.1: 13 of 1,613,300 alleles (0.00081%); highest among the groups gnomAD compares: Non-Finnish European, 0.0011%; no homozygotes.

Submissions (7):

Labcorp Genetics (formerly Invitae), Labcorp
Classification: Pathogenic for Mucopolysaccharidosis, MPS-IV-A. Last evaluated: 2025-01-24. Review status: criteria provided, single submitter. Criteria: Invitae Variant Classification Sherloc (09022015). Collection method: clinical testing. Allele origin: germline.
Comment: This sequence change replaces asparagine, which is neutral and polar, with histidine, which is basic and polar, at codon 407 of the GALNS protein (p.Asn407His). This variant is present in population databases (rs749578474, gnomAD 0.002%). This missense change has been observed in individual(s) with Morquio syndrome (MPSIVA) (PMID: 9298823, 29275451, 30809705, 30927141). In at least one individual the data is consistent with being in trans (on the opposite chromosome) from a pathogenic variant. ClinVar contains an entry for this variant (Variation ID: 634437). Invitae Evidence Modeling of protein sequence and biophysical properties (such as structural, functional, and spatial information, amino acid conservation, physicochemical variation, residue mobility, and thermodynamic stability) indicates that this missense variant is expected to disrupt GALNS protein function with a positive predictive value of 95%. For these reasons, this variant has been classified as Pathogenic.

Fulgent Genetics
Classification: Likely pathogenic for Mucopolysaccharidosis, MPS-IV-A. Last evaluated: 2024-05-20. Review status: criteria provided, single submitter. Criteria: ACMG Guidelines, 2015. Collection method: clinical testing. Allele origin: germline.

Blueprint Genetics
Classification: Pathogenic for GALNS-related disorders. Last evaluated: 2023-08-23. Review status: criteria provided, single submitter. Criteria: ACMG Guidelines, 2015. Collection method: clinical testing. Allele origin: germline. Affected: yes. Observed: 5 variant alleles.

Genome-Nilou Lab
Classification: Likely pathogenic for Mucopolysaccharidosis, MPS-IV-A. Last evaluated: 2021-11-07. Review status: criteria provided, single submitter. Criteria: ACMG Guidelines, 2015. Collection method: clinical testing. Allele origin: germline. Affected: no.

Laboratory of Diagnosis and Therapy of Lysosomal Disorders, University of Padova
Classification: Likely pathogenic for Mucopolysaccharidosis, MPS-IV-A. Last evaluated: 2021-02-01. Review status: criteria provided, single submitter. Criteria: ACMG Guidelines, 2015. Collection method: curation. Allele origin: germline. Affected: yes.
Comment: The prevalence of the variant in affected individuals is significantly increased compared with the prevalence in controls (PS4_strong); very low frequency in gnomAD v2.1.1 (PM2_moderate)

GeneDx
Classification: Uncertain significance. Last evaluated: 2019-07-22. Review status: criteria provided, single submitter. Criteria: GeneDx Variant Classification Process June 2021. Collection method: clinical testing. Allele origin: germline. Affected: yes.
Comment: Not observed at a significant frequency in large population cohorts (Lek et al., 2016); In silico analysis, which includes protein predictors and evolutionary conservation, supports that this variant does not alter protein structure/function; This variant is associated with the following publications: (PMID: 9298823, 26276046, 30809705, 29275451, 25501214, 22940367, 25287660, 30927141)

Genomic Research Center, Shahid Beheshti University of Medical Sciences
Classification: Likely pathogenic for Mucopolysaccharidosis, MPS-IV-A. Last evaluated: 2019-01-01. Review status: criteria provided, single submitter. Criteria: ACMG Guidelines, 2015. Collection method: clinical testing. Allele origin: inherited. Affected: yes. Observed: 1 variant allele.

Literature cited by the submitters: PubMed 9298823 (cited by Labcorp Genetics (formerly Invitae), Labcorp and Laboratory of Diagnosis and Therapy of Lysosomal Disorders, University of Padova); PubMed 29275451 (cited by Labcorp Genetics (formerly Invitae), Labcorp and Laboratory of Diagnosis and Therapy of Lysosomal Disorders, University of Padova); PubMed 30809705 (cited by Labcorp Genetics (formerly Invitae), Labcorp); PubMed 30927141 (cited by Labcorp Genetics (formerly Invitae), Labcorp and Laboratory of Diagnosis and Therapy of Lysosomal Disorders, University of Padova); PubMed 16287098 (cited by Laboratory of Diagnosis and Therapy of Lysosomal Disorders, University of Padova); PubMed 23876334 (cited by Laboratory of Diagnosis and Therapy of Lysosomal Disorders, University of Padova); PubMed 24726177 (cited by Laboratory of Diagnosis and Therapy of Lysosomal Disorders, University of Padova); PubMed 25545067 (cited by Laboratory of Diagnosis and Therapy of Lysosomal Disorders, University of Padova); PubMed 34387910 (cited by Laboratory of Diagnosis and Therapy of Lysosomal Disorders, University of Padova).

NM_000512.5(GALNS):c.1219A>C (p.Asn407His)

Gene: GALNS (galactosamine (N-acetyl)-6-sulfatase; minus strand). Cytogenetic location: 16q24.3.
Variant type: single nucleotide variant.
Coding change: c.1219A>C on transcript NM_000512.5 (MANE Select); coding-DNA position 1219, A replaced by C.
Protein change: p.Asn407His; replaces asparagine 407 with histidine.
Molecular consequence: missense variant.
Genome position (GRCh38, 1-based): chr16:88,824,790, T>G on the plus strand (A>C on the coding strand, the complement: GALNS is on the minus strand). VCF-style: chr16-88824790-T-G. GRCh37 (hg19) VCF-style: chr16-88891198-T-G.
Other names: c.664A>C, p.Asn222His (NM_001323543.2); c.1237A>C, p.Asn413His (NM_001323544.2); short protein forms N407H, N413H, N222H.
Identifiers: ClinVar variation 634437 (VCV000634437.22), dbSNP rs749578474, ClinGen allele CA8234777.